The following is an entry in ClinVar:

NM_001393504.1(MAST3):c.970C>T (p.His324Tyr)

Gene: MAST3 (microtubule associated serine/threonine kinase 3; plus strand). Cytogenetic location: 19p13.11.
Variant type: single nucleotide variant.
Coding change: c.970C>T on transcript NM_001393504.1 (MANE Select); coding-DNA position 970, C replaced by T.
Protein change: p.His324Tyr; replaces histidine 324 with tyrosine.
Molecular consequence: missense variant.
Genome position (GRCh38, 1-based): chr19:18,124,666, C>T. VCF-style: chr19-18124666-C-T. GRCh37 (hg19) VCF-style: chr19-18235476-C-T.
Other names: c.994C>T, p.His332Tyr (NM_001393501.1); c.973C>T, p.His325Tyr (NM_001393502.1); c.970C>T, p.His324Tyr (NM_001393503.1); c.967C>T, p.His323Tyr (NM_001393505.1); c.922C>T, p.His308Tyr (NM_001393506.1, NM_001393513.1); c.949C>T, p.His317Tyr (NM_001393507.1); c.904C>T, p.His302Tyr (NM_001393508.1, NM_001393516.1); c.901C>T, p.His301Tyr (NM_001393509.1, NM_001393510.1, NM_001393512.1 and 2 more transcripts); and 4 more; short protein forms H286Y, H294Y, H295Y, H300Y, H301Y, H302Y, H308Y, H317Y.
Identifiers: ClinVar variation 3912039 (VCV003912039.2).

ClinVar aggregate classification (germline): Uncertain significance (1 of 4 stars; one submission).

gnomAD v4.1: 4 of 1,602,476 alleles (0.00025%); highest among the groups gnomAD compares: Non-Finnish European, 0.00034%; no homozygotes.

Submission:

Women's Health and Genetics/Laboratory Corporation of America, LabCorp
Classification: Uncertain significance. Last evaluated: 2025-07-07. Review status: criteria provided, single submitter. Criteria: LabCorp Variant Classification Summary - May 2015. Collection method: clinical testing. Allele origin: germline.
Comment: Variant summary: MAST3 c.883C>T (p.His295Tyr) results in a conservative amino acid change in the encoded protein sequence. Algorithms developed to predict the effect of missense changes on protein structure and function are either unavailable or do not agree on the potential impact of this missense change. The variant was absent in 235962 control chromosomes. The available data on variant occurrences in the general population are insufficient to allow any conclusion about variant significance. To our knowledge, no occurrence of c.883C>T in individuals affected with Developmental And Epileptic Encephalopathy and no experimental evidence demonstrating its impact on protein function have been reported. No submitters have cited clinical-significance assessments for this variant to ClinVar. Based on the evidence outlined above, the variant was classified as uncertain significance.